The following is an entry in ClinVar:

ClinVar aggregate classification (germline): Uncertain significance (1 of 4 stars; one submission).

Submission:

GeneDx
Classification: Uncertain significance. Last evaluated: 2026-04-23. Review status: criteria provided, single submitter. Criteria: GeneDx Variant Classification Process June 2021. Collection method: clinical testing. Allele origin: germline.
Comment: Not observed at significant frequency in large population cohorts (gnomAD); In silico analysis supports that this missense variant has a deleterious effect on protein structure/function; Has not been previously published as pathogenic or benign to our knowledge; Also known as c.3489T>A

NM_007294.4(BRCA1):c.3370T>A (p.Phe1124Ile)

Genes: BRCA1 (BRCA1 DNA repair associated; minus strand), LOC126862571 (BRD4-independent group 4 enhancer GRCh37_chr17:41243136-41244335; plus strand). Cytogenetic location: 17q21.31.
Variant type: single nucleotide variant.
Coding change: c.3370T>A on transcript NM_007294.4 (MANE Select); coding-DNA position 3370, T replaced by A.
Protein change: p.Phe1124Ile; replaces phenylalanine 1124 with isoleucine.
Molecular consequence: missense variant. On other transcripts: intron variant (137).
Genome position (GRCh38, 1-based): chr17:43,092,161, A>T on the plus strand (T>A on the coding strand, the complement: BRCA1 is on the minus strand). VCF-style: chr17-43092161-A-T. GRCh37 (hg19) VCF-style: chr17-41244178-A-T.
Other names: c.587-1129T>A (NM_001408476.1, NM_001408474.1); c.710-1129T>A (NM_001408409.1, NM_001408412.1, NM_001408414.1 and 2 more transcripts); c.575-1129T>A (NM_001408493.1, NM_001408490.1, NM_001408491.1); c.455-1129T>A (NM_001408502.1); c.578-1129T>A (NM_001408489.1, NM_001408479.1, NM_001408481.1 and 9 more transcripts); c.662-1129T>A (NM_001408445.1, NM_001408432.1, NM_001408446.1 and 6 more transcripts); c.668-1129T>A (NM_001408431.1, NM_001408424.1, NM_001408421.1); c.785-1129T>A (NM_001408407.1, NM_001408402.1, NM_001408473.1 and 13 more transcripts); and 41 more; short protein forms F1012I, F1013I, F1035I, F1036I, F1053I, F1054I, F1056I, F1057I.
Identifiers: ClinVar variation 5037508 (VCV005037508.1).